The following is an entry in ClinVar:

Conditions:
Long QT syndrome 5 (LQT5). Identifiers: Orphanet 101016, Orphanet 768, MedGen C1867904, MONDO:0013372, OMIM 613695.

Submission:

Roden Lab, Vanderbilt University Medical Center
No classification provided (evidence only). Condition: Long QT syndrome 5. Review status: no classification provided. Collection method: in vitro. Allele origin: not applicable. Functional consequence: Effect on ion channel function.
ClinVar note: "not provided" was previously submitted as the classification for the variant. However, the classification appeared to be based only on an observation of functional data so it was converted to no classification on 2025-07-30.

NM_000219.6(KCNE1):c.137A>C (p.Tyr46Ser)

Gene: KCNE1 (potassium voltage-gated channel subfamily E regulatory subunit 1; minus strand). Cytogenetic location: 21q22.12.
Variant type: single nucleotide variant.
Coding change: c.137A>C on transcript NM_000219.6 (MANE Select); coding-DNA position 137, A replaced by C.
Protein change: p.Tyr46Ser; replaces tyrosine 46 with serine.
Molecular consequence: missense variant.
Genome position (GRCh38, 1-based): chr21:34,449,498, T>G on the plus strand (A>C on the coding strand, the complement: KCNE1 is on the minus strand). VCF-style: chr21-34449498-T-G. GRCh37 (hg19) VCF-style: chr21-35821796-T-G.
Other names: c.137A>C, p.Tyr46Ser (NM_001127668.4, NM_001127669.4, NM_001127670.4 and 4 more transcripts); short protein forms Y46S.
Identifiers: ClinVar variation 3374146 (VCV003374146.2).